The following is an entry in ClinVar:

NM_014795.4(ZEB2):c.422C>T (p.Thr141Ile)

Gene: ZEB2 (zinc finger E-box binding homeobox 2; minus strand). Cytogenetic location: 2q22.3.
Variant type: single nucleotide variant.
Coding change: c.422C>T on transcript NM_014795.4 (MANE Select); coding-DNA position 422, C replaced by T.
Protein change: p.Thr141Ile; replaces threonine 141 with isoleucine.
Molecular consequence: missense variant.
Genome position (GRCh38, 1-based): chr2:144,405,006, G>A on the plus strand (C>T on the coding strand, the complement: ZEB2 is on the minus strand). VCF-style: chr2-144405006-G-A. GRCh37 (hg19) VCF-style: chr2-145162573-G-A.
Other names: c.350C>T, p.Thr117Ile (NM_001171653.2); short protein forms T117I, T141I.
Identifiers: ClinVar variation 1020884 (VCV001020884.12), dbSNP rs1703366182, ClinGen allele CA348715579.

ClinVar aggregate classification (germline): Uncertain significance. Review status: criteria provided, multiple submitters, no conflicts (2 of 4 stars). 3 submissions from 3 submitters: Uncertain significance (3). Last evaluated 2023-05-25.

Conditions:
Mowat-Wilson syndrome (MOWS). Also called: Classic Mowat-Wilson Syndrome. Identifiers: Orphanet 2152, MedGen C1856113, MONDO:0009341, OMIM 235730.

Allele frequency attached by ClinVar (database versions not stated): gnomAD exomes below 0.00001; TOPMed 0.00002.
gnomAD v4.1: 1 of 1,614,014 alleles (0.000062%); highest among the groups gnomAD compares: African/African-American, 0.0013%; no homozygotes.

Submissions (3):

Labcorp Genetics (formerly Invitae), Labcorp
Classification: Uncertain significance for Mowat-Wilson syndrome. Last evaluated: 2023-05-25. Review status: criteria provided, single submitter. Criteria: Invitae Variant Classification Sherloc (09022015). Collection method: clinical testing. Allele origin: germline.
Comment: In summary, the available evidence is currently insufficient to determine the role of this variant in disease. Therefore, it has been classified as a Variant of Uncertain Significance. Advanced modeling of protein sequence and biophysical properties (such as structural, functional, and spatial information, amino acid conservation, physicochemical variation, residue mobility, and thermodynamic stability) performed at Invitae indicates that this missense variant is not expected to disrupt ZEB2 protein function. ClinVar contains an entry for this variant (Variation ID: 1020884). This variant has not been reported in the literature in individuals affected with ZEB2-related conditions. This variant is not present in population databases (gnomAD no frequency). This sequence change replaces threonine, which is neutral and polar, with isoleucine, which is neutral and non-polar, at codon 141 of the ZEB2 protein (p.Thr141Ile).

Genome-Nilou Lab
Classification: Uncertain significance for Mowat-Wilson syndrome. Last evaluated: 2021-11-07. Review status: criteria provided, single submitter. Criteria: ACMG Guidelines, 2015. Collection method: clinical testing. Allele origin: germline. Affected: no.

GeneDx
Classification: Uncertain significance. Last evaluated: 2019-01-24. Review status: criteria provided, single submitter. Criteria: GeneDx Variant Classification Process June 2021. Collection method: clinical testing. Allele origin: germline. Affected: yes.
Comment: In silico analysis, which includes protein predictors and evolutionary conservation, supports that this variant does not alter protein structure/function; Has not been previously published as pathogenic or benign to our knowledge